The following is an entry in ClinVar:

NM_133497.4(KCNV2):c.1288T>C (p.Tyr430His)

Gene: KCNV2 (potassium voltage-gated channel modifier subfamily V member 2; plus strand). Cytogenetic location: 9p24.2.
Variant type: single nucleotide variant.
Coding change: c.1288T>C on transcript NM_133497.4 (MANE Select); coding-DNA position 1288, T replaced by C.
Protein change: p.Tyr430His; replaces tyrosine 430 with histidine.
Molecular consequence: missense variant.
Genome position (GRCh38, 1-based): chr9:2,719,027, T>C. VCF-style: chr9-2719027-T-C. GRCh37 (hg19) VCF-style: chr9-2719027-T-C.
Other names: short protein forms Y430H.
Identifiers: ClinVar variation 2102044 (VCV002102044.4), dbSNP rs1563796271, ClinGen allele CA372802651.

ClinVar aggregate classification (germline): Uncertain significance (1 of 4 stars; one submission).

gnomAD v4.1: 1 of 1,613,032 alleles (0.000062%); highest among the groups gnomAD compares: Non-Finnish European, 0.000085%; no homozygotes.

Submission:

Labcorp Genetics (formerly Invitae), Labcorp
Classification: Uncertain significance. Last evaluated: 2022-07-30. Review status: criteria provided, single submitter. Criteria: Invitae Variant Classification Sherloc (09022015). Collection method: clinical testing. Allele origin: germline.
Comment: This sequence change replaces tyrosine, which is neutral and polar, with histidine, which is basic and polar, at codon 430 of the KCNV2 protein (p.Tyr430His). The frequency data for this variant in the population databases is considered unreliable, as metrics indicate poor data quality at this position in the gnomAD database. In summary, the available evidence is currently insufficient to determine the role of this variant in disease. Therefore, it has been classified as a Variant of Uncertain Significance. Algorithms developed to predict the effect of missense changes on protein structure and function output the following: SIFT: "Deleterious"; PolyPhen-2: "Benign"; Align-GVGD: "Class C65". The histidine amino acid residue is found in multiple mammalian species, which suggests that this missense change does not adversely affect protein function. This variant has not been reported in the literature in individuals affected with KCNV2-related conditions.